The following is an entry in ClinVar:

ClinVar aggregate classification (germline): Uncertain significance (1 of 4 stars; one submission).

Conditions:
Neuropathy, hereditary sensory and autonomic, type 2A (HSAN2A). Also called: ACROOSTEOLYSIS, GIACCAI TYPE; ACROOSTEOLYSIS, NEUROGENIC; MORVAN DISEASE; NEUROPATHY, CONGENITAL SENSORY; NEUROPATHY, HEREDITARY SENSORY RADICULAR, AUTOSOMAL RECESSIVE; NEUROPATHY, HEREDITARY SENSORY, TYPE IIA. Identifiers: Orphanet 970, MedGen C2752089, MONDO:0024309, OMIM 201300.
Pseudohypoaldosteronism type 2C (PHA2C). Also called: Pseudohypoaldosteronism Type IIC. Identifiers: Orphanet 757, Orphanet 88940, MedGen C1840391, MONDO:0013778, OMIM 614492.

Allele frequency attached by ClinVar (database versions not stated): gnomAD exomes below 0.00001; ExAC 0.00002; gnomAD 0.00002; TOPMed 0.00002.
gnomAD v4.1: 9 of 1,614,026 alleles (0.00056%); highest among the groups gnomAD compares: African/African-American, 0.0067%; no homozygotes.

Submission:

Labcorp Genetics (formerly Invitae), Labcorp
Classification: Uncertain significance for Neuropathy, hereditary sensory and autonomic, type 2A; Pseudohypoaldosteronism type 2C. Last evaluated: 2024-02-20. Review status: criteria provided, single submitter. Criteria: Invitae Variant Classification Sherloc (09022015). Collection method: clinical testing. Allele origin: germline.
Comment: This sequence change replaces methionine, which is neutral and non-polar, with valine, which is neutral and non-polar, at codon 2526 of the WNK1 protein (p.Met2526Val). This variant is present in population databases (rs780823198, gnomAD 0.01%). This variant has not been reported in the literature in individuals affected with WNK1-related conditions. Advanced modeling of protein sequence and biophysical properties (such as structural, functional, and spatial information, amino acid conservation, physicochemical variation, residue mobility, and thermodynamic stability) performed at Invitae indicates that this missense variant is not expected to disrupt WNK1 protein function with a negative predictive value of 95%. In summary, the available evidence is currently insufficient to determine the role of this variant in disease. Therefore, it has been classified as a Variant of Uncertain Significance.

NM_018979.4(WNK1):c.6820A>G (p.Met2274Val)

Gene: WNK1 (WNK lysine deficient protein kinase 1; plus strand). Cytogenetic location: 12p13.33.
Variant type: single nucleotide variant.
Coding change: c.6820A>G on transcript NM_018979.4 (MANE Select); coding-DNA position 6820, A replaced by G.
Protein change: p.Met2274Val; replaces methionine 2274 with valine.
Molecular consequence: missense variant.
Genome position (GRCh38, 1-based): chr12:908,023, A>G. VCF-style: chr12-908023-A-G. GRCh37 (hg19) VCF-style: chr12-1017189-A-G.
Other names: c.7600A>G, p.Met2534Val (NM_001184985.2); c.6076A>G, p.Met2026Val (NM_014823.3); c.7576A>G, p.Met2526Val (NM_213655.5); short protein forms M2026V, M2274V, M2526V, M2534V.
Identifiers: ClinVar variation 2934446 (VCV002934446.3), dbSNP rs780823198, ClinGen allele CA6383496.